The following is an entry in ClinVar:

NM_002637.4(PHKA1):c.1459+6_1459+8del

Gene: PHKA1 (phosphorylase kinase regulatory subunit alpha 1; minus strand). Cytogenetic location: Xq13.1.
Variant type: Deletion.
Coding change: c.1459+6_1459+8del on transcript NM_002637.4 (MANE Select); bases 6 to 8 of the intron after coding-DNA position 1459, 3 bases deleted (GAG; older notation c.1459+6_1459+8delGAG).
Molecular consequence: intron variant.
Genome position (GRCh38, 1-based): chrX:72,644,354-72,644,356, CTC deleted on the plus strand (GAG on the coding strand, the reverse complement: PHKA1 is on the minus strand); deleting any 3 consecutive bases within chrX:72,644,354-72,644,358 gives the same sequence; the c. name uses the placement nearest the transcript's 3' end. VCF-style (leftmost placement, unchanged base first): chrX-72644353-TCTC-T. GRCh37 (hg19) VCF-style: chrX-71864203-TCTC-T.
Other names: c.1459+6_1459+8del (NM_001172436.2, NM_001122670.2); c.1459+6_1459+8delGAG (NM_002637.3).
Identifiers: ClinVar variation 510067 (VCV000510067.5), dbSNP rs782679415, ClinGen allele CA10450870.
Genomic context (GRCh38, chrX:72,644,353, plus strand): 5'-GAAAAAAGGATGGAAACCAGCCTATAATGAATAATGCTTTGATTCTAGCAGGCTAGCCAA[TCTC>T]CTTACCTAGGCTGGAATAAATGTGGCTGAGAATACGAGCTGGTTGTACTCTGATGGGGTA-3'

ClinVar aggregate classification (germline): Conflicting classifications of pathogenicity. Review status: criteria provided, conflicting classifications (1 of 4 stars). 3 submissions from 3 submitters: Uncertain significance (1); Likely benign (2). Last evaluated 2024-11-04.

Conditions:
Glycogen storage disease IXd (GSD9D). Also called: Muscle Phosphorylase Kinase Deficiency; GSD IXd. Identifiers: Orphanet 715, MedGen C1845151, MONDO:0010362, OMIM 300559.

Submissions (3):

Labcorp Genetics (formerly Invitae), Labcorp
Classification: Uncertain significance for Glycogen storage disease IXd. Last evaluated: 2024-11-04. Review status: criteria provided, single submitter. Criteria: Invitae Variant Classification Sherloc (09022015). Collection method: clinical testing. Allele origin: germline.
Comment: This sequence change falls in intron 14 of the PHKA1 gene. It does not directly change the encoded amino acid sequence of the PHKA1 protein. It affects a nucleotide within the consensus splice site. This variant is present in population databases (rs782679415, gnomAD 0.03%). This variant has not been reported in the literature in individuals affected with PHKA1-related conditions. ClinVar contains an entry for this variant (Variation ID: 510067). Variants that disrupt the consensus splice site are a relatively common cause of aberrant splicing (PMID: 17576681, 9536098). Algorithms developed to predict the effect of sequence changes on RNA splicing suggest that this variant is not likely to affect RNA splicing. In summary, the available evidence is currently insufficient to determine the role of this variant in disease. Therefore, it has been classified as a Variant of Uncertain Significance.

Blueprint Genetics
Classification: Likely benign. Last evaluated: 2024-01-08. Review status: criteria provided, single submitter. Criteria: ACMG Guidelines, 2015. Collection method: clinical testing. Allele origin: germline.

GeneDx
Classification: Likely benign. Last evaluated: 2017-06-20. Review status: criteria provided, single submitter. Criteria: GeneDx Variant Classification (06012015). Collection method: clinical testing. Allele origin: germline. Affected: yes.
Comment: This variant is considered likely benign or benign based on one or more of the following criteria: it is a conservative change, it occurs at a poorly conserved position in the protein, it is predicted to be benign by multiple in silico algorithms, and/or has population frequency not consistent with disease.

Literature cited by the submitters: PubMed 17576681 (cited by Labcorp Genetics (formerly Invitae), Labcorp); PubMed 9536098 (cited by Labcorp Genetics (formerly Invitae), Labcorp).